The following is an entry in ClinVar:

ClinVar aggregate classification (germline): Uncertain significance (1 of 4 stars; one submission).

Allele frequency attached by ClinVar (database versions not stated): gnomAD exomes 0.00001; gnomAD 0.00002; TOPMed 0.00003.
gnomAD v4.1: 13 of 1,614,036 alleles (0.00081%); highest among the groups gnomAD compares: Admixed American, 0.005%; no homozygotes.

Submission:

Labcorp Genetics (formerly Invitae), Labcorp
Classification: Uncertain significance. Last evaluated: 2022-01-04. Review status: criteria provided, single submitter. Criteria: Invitae Variant Classification Sherloc (09022015). Collection method: clinical testing. Allele origin: germline.
Comment: This sequence change replaces lysine, which is basic and polar, with arginine, which is basic and polar, at codon 47 of the TMPRSS3 protein (p.Lys47Arg). This variant is present in population databases (no rsID available, gnomAD 0.002%). This variant has not been reported in the literature in individuals affected with TMPRSS3-related conditions. Advanced modeling of protein sequence and biophysical properties (such as structural, functional, and spatial information, amino acid conservation, physicochemical variation, residue mobility, and thermodynamic stability) performed at Invitae indicates that this missense variant is not expected to disrupt TMPRSS3 protein function. In summary, the available evidence is currently insufficient to determine the role of this variant in disease. Therefore, it has been classified as a Variant of Uncertain Significance.

NM_001256317.3(TMPRSS3):c.140A>G (p.Lys47Arg)

Gene: TMPRSS3 (transmembrane serine protease 3; minus strand). Cytogenetic location: 21q22.3.
Variant type: single nucleotide variant.
Coding change: c.140A>G on transcript NM_001256317.3 (MANE Select); coding-DNA position 140, A replaced by G.
Protein change: p.Lys47Arg; replaces lysine 47 with arginine.
Molecular consequence: missense variant.
Genome position (GRCh38, 1-based): chr21:42,389,992, T>C on the plus strand (A>G on the coding strand, the complement: TMPRSS3 is on the minus strand). VCF-style: chr21-42389992-T-C. GRCh37 (hg19) VCF-style: chr21-43810101-T-C.
Other names: c.140A>G, p.Lys47Arg (NM_024022.4, NM_032405.2); short protein forms K47R.
Identifiers: ClinVar variation 2180306 (VCV002180306.1), dbSNP rs1296531045, ClinGen allele CA410375954.